The following is an entry in ClinVar:

ClinVar aggregate classification (germline): Benign/Likely benign. Review status: criteria provided, multiple submitters, no conflicts (2 of 4 stars). 6 submissions from 6 submitters: Benign (2); Likely benign (3). 1 of the submissions does not count toward it. Last evaluated 2026-01-28.

Conditions:
ZNF469-related disorder. Also called: ZNF469-related condition.
Brittle cornea syndrome 1 (BCS1). Also called: DYSGENESIS MESODERMALIS CORNEAE ET SCLERAE; Corneal fragility keratoglobus, blue sclerae AND joint hypermobility; CORNEAL FRAGILITY, KERATOGLOBUS, BLUE SCLERAE, JOINT HYPEREXTENSIBILITY; EDS6B; FRAGILITAS OCULI WITH JOINT HYPEREXTENSIBILITY. Identifiers: Orphanet 90354, MedGen C0268344, MONDO:0024543, OMIM 229200.
Cardiovascular phenotype. Identifiers: MedGen CN230736.

Allele frequency attached by ClinVar (database versions not stated): 1000 Genomes Project 30x 0.00031; 1000 Genomes Project 0.00040.
gnomAD v4.1: 196 of 1,550,300 alleles (0.013%); highest among the groups gnomAD compares: African/African-American, 0.24%; 1 homozygote.

Submissions (6):

Labcorp Genetics (formerly Invitae), Labcorp
Classification: Benign. Last evaluated: 2026-01-28. Review status: criteria provided, single submitter. Criteria: Invitae Variant Classification Sherloc (09022015). Collection method: clinical testing. Allele origin: germline.

Women's Health and Genetics/Laboratory Corporation of America, LabCorp
Classification: Likely benign. Last evaluated: 2025-12-29. Review status: criteria provided, single submitter. Criteria: LabCorp Variant Classification Summary - May 2015. Collection method: clinical testing. Allele origin: germline.

Genome-Nilou Lab
Classification: Benign for Brittle cornea syndrome 1. Last evaluated: 2021-12-05. Review status: criteria provided, single submitter. Criteria: ACMG Guidelines, 2015. Collection method: clinical testing. Allele origin: germline. Affected: no.

Ambry Genetics
Classification: Likely benign for Cardiovascular phenotype. Last evaluated: 2020-05-06. Review status: criteria provided, single submitter. Criteria: Ambry Variant Classification Scheme 2023. Collection method: clinical testing. Allele origin: germline.

GeneDx
Classification: Likely benign. Last evaluated: 2018-12-20. Review status: criteria provided, single submitter. Criteria: GeneDx Variant Classification Process June 2021. Collection method: clinical testing. Allele origin: germline. Affected: yes.

PreventionGenetics, part of Exact Sciences
Classification: Likely benign for ZNF469-related condition. Last evaluated: 2022-08-26. Review status: no assertion criteria provided. Collection method: clinical testing. Allele origin: germline. Not counted in ClinVar's aggregate classification.
Comment: This variant is classified as likely benign based on ACMG/AMP sequence variant interpretation guidelines (Richards et al. 2015 PMID: 25741868, with internal and published modifications).

NM_001367624.2(ZNF469):c.5862C>T (p.Pro1954=)

Gene: ZNF469 (zinc finger protein 469; plus strand). Cytogenetic location: 16q24.2.
Variant type: single nucleotide variant.
Coding change: c.5862C>T on transcript NM_001367624.2 (MANE Select); coding-DNA position 5862, C replaced by T.
Protein change: p.Pro1954=; no amino-acid change (proline 1954 retained).
Molecular consequence: synonymous variant.
Genome position (GRCh38, 1-based): chr16:88,433,332, C>T. VCF-style: chr16-88433332-C-T. GRCh37 (hg19) VCF-style: chr16-88499740-C-T.
Other names: NM_001127464.1:c.5778C>T; NM_001127464.2:c.5778C>T.
Identifiers: ClinVar variation 1214758 (VCV001214758.17), dbSNP rs201666199, ClinGen allele CA8225111.